The following is an entry in ClinVar:

ClinVar aggregate classification (germline): Benign (1 of 4 stars; one submission).

Conditions:
Usher syndrome type 1G. Also called: USHER SYNDROME, TYPE IG, MILD. Identifiers: Orphanet 231169, Orphanet 886, MedGen C1847089, MONDO:0011748, OMIM 606943.

Allele frequency attached by ClinVar (database versions not stated): gnomAD 0.00924 and 0.00971; TOPMed 0.01045; 1000 Genomes Project 0.01218; 1000 Genomes Project 30x 0.01343.

Submission:

Illumina Laboratory Services, Illumina
Classification: Benign for Usher syndrome type 1G. Last evaluated: 2018-01-13. Review status: criteria provided, single submitter. Criteria: ICSL Variant Classification Criteria 13 December 2019. Collection method: clinical testing. Allele origin: germline.
Comment: This variant was observed in the ICSL laboratory as part of a predisposition screen in an ostensibly healthy population. It had not been previously curated by ICSL or reported in the Human Gene Mutation Database (HGMD: prior to June 1st, 2018), and was therefore a candidate for classification through an automated scoring system. Utilizing variant allele frequency, disease prevalence and penetrance estimates, and inheritance mode, an automated score was calculated to assess if this variant is too frequent to cause the disease. Based on the score and internal cut-off values, a variant classified as benign is not then subjected to further curation. The score for this variant resulted in a classification of benign for this disease.

NM_173477.5(USH1G):c.*940C>G

Gene: USH1G (USH1 protein network component sans; minus strand). Cytogenetic location: 17q25.1.
Variant type: single nucleotide variant.
Coding change: c.*940C>G on transcript NM_173477.5 (MANE Select); 940 bases downstream of the stop codon, C replaced by G.
Molecular consequence: 3 prime UTR variant.
Genome position (GRCh38, 1-based): chr17:74,917,133, G>C on the plus strand (C>G on the coding strand, the complement: USH1G is on the minus strand). VCF-style: chr17-74917133-G-C. GRCh37 (hg19) VCF-style: chr17-72913227-G-C.
Other names: c.*940C>G (NM_001282489.3).
Identifiers: ClinVar variation 891586 (VCV000891586.4), dbSNP rs112293979, ClinGen allele CA293981765.